The following is an entry in ClinVar:

ClinVar aggregate classification (germline): Uncertain significance (1 of 4 stars; one submission).

Conditions:
Cardiovascular phenotype. Identifiers: MedGen CN230736.
Hereditary cancer-predisposing syndrome. Also called: Neoplastic Syndromes, Hereditary; Tumor predisposition; Hereditary Cancer Syndrome; Hereditary neoplastic syndrome. Identifiers: Orphanet 140162, MedGen C0027672, MeSH D009386, MONDO:0015356.

Submission:

Ambry Genetics
Classification: Uncertain significance for Cardiovascular phenotype; Hereditary cancer-predisposing syndrome. Last evaluated: 2025-11-08. Review status: criteria provided, single submitter. Criteria: Ambry Variant Classification Scheme 2023. Collection method: clinical testing. Allele origin: germline.
Comment: The p.C2233G variant (also known as c.6697T>G), located in coding exon 44 of the NF1 gene, results from a T to G substitution at nucleotide position 6697. The cysteine at codon 2233 is replaced by glycine, an amino acid with highly dissimilar properties. This amino acid position is conserved. In addition, this alteration is predicted to be deleterious by in silico analysis. Based on the available evidence, the clinical significance of this variant remains unclear.

NM_001042492.3(NF1):c.6760T>G (p.Cys2254Gly)

Gene: NF1 (neurofibromin 1; plus strand). Cytogenetic location: 17q11.2.
Variant type: single nucleotide variant.
Coding change: c.6760T>G on transcript NM_001042492.3 (MANE Select); coding-DNA position 6760, T replaced by G.
Protein change: p.Cys2254Gly; replaces cysteine 2254 with glycine.
Molecular consequence: missense variant.
Genome position (GRCh38, 1-based): chr17:31,338,080, T>G. VCF-style: chr17-31338080-T-G. GRCh37 (hg19) VCF-style: chr17-29665098-T-G.
Other names: c.6697T>G, p.Cys2233Gly (NM_000267.4); short protein forms C2233G, C2254G.
Identifiers: ClinVar variation 4615789 (VCV004615789.1).